The following is an entry in ClinVar:

NM_032043.3(BRIP1):c.3173_3179delinsCTC (p.Leu1058fs)

Gene: BRIP1 (BRCA1 interacting DNA helicase 1; minus strand). Cytogenetic location: 17q23.2.
Variant type: Indel.
Coding change: c.3173_3179delinsCTC on transcript NM_032043.3 (MANE Select); coding-DNA positions 3173 to 3179, TGACAGT replaced by CTC.
Protein change: p.Leu1058fs; shifts the reading frame from leucine 1058.
Molecular consequence: frameshift variant.
Genome position (GRCh38, 1-based): chr17:61,683,867-61,683,873, ACTGTCA replaced by GAG on the plus strand (TGACAGT replaced by CTC on the coding strand, the reverse complement: BRIP1 is on the minus strand). VCF-style: chr17-61683867-ACTGTCA-GAG. GRCh37 (hg19) VCF-style: chr17-59761228-ACTGTCA-GAG.
Other names: c.3173_3179delTGACAGTinsCTC (NM_032043.2); short protein forms L1058fs.
Identifiers: ClinVar variation 485464 (VCV000485464.6), dbSNP rs1555572799, ClinGen allele CA658658651.

ClinVar aggregate classification (germline): Uncertain significance (1 of 4 stars; one submission).

Conditions:
Hereditary cancer-predisposing syndrome. Also called: Neoplastic Syndromes, Hereditary; Tumor predisposition; Hereditary Cancer Syndrome; Hereditary neoplastic syndrome. Identifiers: Orphanet 140162, MedGen C0027672, MeSH D009386, MONDO:0015356.

Submission:

Ambry Genetics
Classification: Uncertain significance for Hereditary cancer-predisposing syndrome. Last evaluated: 2025-05-03. Review status: criteria provided, single submitter. Criteria: Ambry Variant Classification Scheme 2023. Collection method: clinical testing. Allele origin: germline.
Comment: The c.3173_3179delTGACAGTinsCTC variant, located in coding exon 19 of the BRIP1 gene, results from the deletion of 7 nucleotides and insertion of 3 nucleotides causing a translational frameshift with a predicted alternate stop codon (p.L1058Pfs*19). This stop codon occurs at the 3' terminus of BRIP1, is not expected to trigger nonsense-mediated mRNA decay, and removes the last 171 amino acids of the protein. The exact functional impact of this alteration is unknown at this time. While the C-terminal region of the BRIP1 protein has been shown by structural, biochemical, and mutational analysis to be relevant for some aspects of BRIP1 protein function (Gong Z et al. Mol. Cell, 2010 Feb;37:438-46; Leung CC et al. J. Biol. Chem. 2011 Feb; 286(6):4292-301; Xie J et al. PLoS Genet. 2012 Jul; 8(7):e1002786), functional studies have shown that truncations in the 3' terminus of BRIP1 display normal function in response to intra-strand cross-linking agents (Calvo JA et al. Mol Cancer Res, 2021 Jun;19:1015-1025). In addition, 3' truncations in BRIP1 occurring upstream of this variant have been detected in the homozygous or compound heterozygous state in individuals with no reported features of BRIP1-related Fanconi Anemia (FA-J) (Ambry internal data). Based on the available evidence, the clinical significance of this variant remains unclear.